The following is an entry in ClinVar:

NM_004369.4(COL6A3):c.7425C>A (p.Asn2475Lys)

Gene: COL6A3 (collagen type VI alpha 3 chain; minus strand). Cytogenetic location: 2q37.3.
Variant type: single nucleotide variant.
Coding change: c.7425C>A on transcript NM_004369.4 (MANE Select); coding-DNA position 7425, C replaced by A.
Protein change: p.Asn2475Lys; replaces asparagine 2475 with lysine.
Molecular consequence: missense variant.
Genome position (GRCh38, 1-based): chr2:237,344,593, G>T on the plus strand (C>A on the coding strand, the complement: COL6A3 is on the minus strand). VCF-style: chr2-237344593-G-T. GRCh37 (hg19) VCF-style: chr2-238253236-G-T.
Other names: c.7425C>A (NM_004369.3); c.5604C>A, p.Asn1868Lys (NM_057166.5); c.6807C>A, p.Asn2269Lys (NM_057167.4); short protein forms N2475K, N2269K, N1868K.
Identifiers: ClinVar variation 497815 (VCV000497815.8), dbSNP rs998223951, ClinGen allele CA67839320.

ClinVar aggregate classification (germline): Uncertain significance. Review status: criteria provided, multiple submitters, no conflicts (2 of 4 stars). 3 submissions from 3 submitters: Uncertain significance (3). Last evaluated 2023-08-09.

Allele frequency attached by ClinVar (database versions not stated): gnomAD exomes below 0.00001.
gnomAD v4.1: 2 of 1,614,202 alleles (0.00012%); highest among the groups gnomAD compares: Non-Finnish European, 0.00017%; no homozygotes.

Submissions (3):

Women's Health and Genetics/Laboratory Corporation of America, LabCorp
Classification: Uncertain significance. Last evaluated: 2023-08-09. Review status: criteria provided, single submitter. Criteria: LabCorp Variant Classification Summary - May 2015. Collection method: clinical testing. Allele origin: germline.
Comment: Variant summary: COL6A3 c.7425C>A (p.Asn2475Lys) results in a non-conservative amino acid change located in the von Willebrand factor, type A domain (IPR002035) of the encoded protein sequence. Four of five in-silico tools predict a damaging effect of the variant on protein function. The variant was absent in 251448 control chromosomes (gnomAD). The available data on variant occurrences in the general population are insufficient to allow any conclusion about variant significance. To our knowledge, no occurrence of c.7425C>A in individuals affected with Ullrich Congenital Muscular Dystrophy 1 and no experimental evidence demonstrating its impact on protein function have been reported. One ClinVar submitter has assessed the variant since 2014, and classified the variant as uncertain significance. Based on the evidence outlined above, the variant was classified as uncertain significance.

Revvity Omics, Revvity
Classification: Uncertain significance. Last evaluated: 2023-06-06. Review status: criteria provided, single submitter. Criteria: ACMG Guidelines, 2015. Collection method: clinical testing. Allele origin: germline.

Eurofins Ntd Llc (ga)
Classification: Uncertain significance. Last evaluated: 2016-10-18. Review status: criteria provided, single submitter. Criteria: EGL Classification Definitions 2015. Collection method: clinical testing. Allele origin: germline. Observed: 1 variant allele, 1 heterozygote.